The following is an entry in ClinVar:

ClinVar aggregate classification (germline): Uncertain significance (1 of 4 stars; one submission).

Conditions:
Tatton-Brown-Rahman overgrowth syndrome. Also called: Tall stature-intellectual disability-facial dysmorphism syndrome; Tatton-Brown-Rahman syndrome. Identifiers: Orphanet 404443, MedGen C4014545, MONDO:0014382, OMIM 615879.

Submission:

Labcorp Genetics (formerly Invitae), Labcorp
Classification: Uncertain significance for Tatton-Brown-Rahman overgrowth syndrome. Last evaluated: 2024-08-31. Review status: criteria provided, single submitter. Criteria: Invitae Variant Classification Sherloc (09022015). Collection method: clinical testing. Allele origin: germline.
Comment: This sequence change replaces proline, which is neutral and non-polar, with serine, which is neutral and polar, at codon 59 of the DNMT3A protein (p.Pro59Ser). This variant is not present in population databases (gnomAD no frequency). This variant has not been reported in the literature in individuals affected with DNMT3A-related conditions. An algorithm developed to predict the effect of missense changes on protein structure and function (PolyPhen-2) suggests that this variant is likely to be tolerated. In summary, the available evidence is currently insufficient to determine the role of this variant in disease. Therefore, it has been classified as a Variant of Uncertain Significance.

NM_022552.5(DNMT3A):c.175C>T (p.Pro59Ser)

Gene: DNMT3A (DNA methyltransferase 3 alpha; minus strand). Cytogenetic location: 2p23.3.
Variant type: single nucleotide variant.
Coding change: c.175C>T on transcript NM_022552.5 (MANE Select); coding-DNA position 175, C replaced by T.
Protein change: p.Pro59Ser; replaces proline 59 with serine.
Molecular consequence: missense variant. On other transcripts: non-coding transcript variant (1).
Genome position (GRCh38, 1-based): chr2:25,300,141, G>A on the plus strand (C>T on the coding strand, the complement: DNMT3A is on the minus strand). VCF-style: chr2-25300141-G-A. GRCh37 (hg19) VCF-style: chr2-25523010-G-A.
Other names: c.175C>T, p.Pro59Ser (NM_001320892.2, NM_175629.2, NM_175630.1); short protein forms P59S.
Identifiers: ClinVar variation 3718586 (VCV003718586.2).